The following is an entry in ClinVar:

NM_000718.4(CACNA1B):c.3891C>T (p.Ala1297=)

Gene: CACNA1B (calcium voltage-gated channel subunit alpha1 B; plus strand). Cytogenetic location: 9q34.3.
Variant type: single nucleotide variant.
Coding change: c.3891C>T on transcript NM_000718.4 (MANE Select); coding-DNA position 3891, C replaced by T.
Protein change: p.Ala1297=; no amino-acid change (alanine 1297 retained).
Molecular consequence: synonymous variant.
Genome position (GRCh38, 1-based): chr9:138,053,929, C>T. VCF-style: chr9-138053929-C-T. GRCh37 (hg19) VCF-style: chr9-140948381-C-T.
Other names: c.3891C>T, p.Ala1297= (NM_001243812.2).
Identifiers: ClinVar variation 1975917 (VCV001975917.27), dbSNP rs758677283, ClinGen allele CA5376857.
Genomic context (GRCh38, chr9:138,053,929, plus strand): 5'-CTCCCTGAAGAATGTCCTCAACATCTTGATTGTCTACATGCTCTTCATGTTCATATTTGC[C>T]GTCATTGCGGTGCAGCTCTTCAAAGGGAAGTTTTTCTACTGCACAGATGAATCCAAGGAG-3'
Protein context (NP_000709.1, residues 1287-1307): IVYMLFMFIF[Ala1297=]VIAVQLFKGK

ClinVar aggregate classification (germline): Likely benign. Review status: criteria provided, multiple submitters, no conflicts (2 of 4 stars). 2 submissions from 2 submitters: Likely benign (2). Last evaluated 2024-01-01.

Allele frequency attached by ClinVar (database versions not stated): ExAC 0.00001.
gnomAD v4.1: 10 of 1,613,294 alleles (0.00062%); highest among the groups gnomAD compares: Middle Eastern, 0.016%; no homozygotes.

Submissions (2):

CeGaT Center for Human Genetics Tuebingen
Classification: Likely benign. Last evaluated: 2024-01-01. Review status: criteria provided, single submitter. Criteria: CeGaT Center For Human Genetics Tuebingen Variant Classification Criteria Version 2. Collection method: clinical testing. Allele origin: germline. Affected: yes. Observed: 1 variant allele.
Comment: CACNA1B: BP4, BP7

Labcorp Genetics (formerly Invitae), Labcorp
Classification: Likely benign. Last evaluated: 2022-09-01. Review status: criteria provided, single submitter. Criteria: Invitae Variant Classification Sherloc (09022015). Collection method: clinical testing. Allele origin: germline.